The following is an entry in ClinVar:

ClinVar aggregate classification (germline): Uncertain significance (1 of 4 stars; one submission).

Conditions:
Hypercholesterolemia, autosomal dominant, 3 (FHCL3). Also called: PCSK9-Related Familial Hypercholesterolemia, Autosomal Dominant; Familial Hypercholesterolemia, Autosomal Dominant, 3; Familial hypercholesterolemia 3. Identifiers: MedGen C1863551, MONDO:0011369, OMIM 603776.

Allele frequency attached by ClinVar (database versions not stated): TOPMed 0.00001.

Submission:

All of Us Research Program, National Institutes of Health
Classification: Uncertain significance for Hypercholesterolemia, autosomal dominant, 3. Last evaluated: 2023-02-24. Review status: criteria provided, single submitter. Criteria: ACMG Guidelines, 2015. Collection method: clinical testing. Allele origin: germline. Inheritance: Autosomal dominant inheritance. Observed: 1 variant allele, 1 heterozygote.
Comment: This missense variant replaces alanine with aspartic acid at codon 598 of the PCSK9 protein. Computational prediction suggests that this variant may not impact protein structure and function (internally defined REVEL score threshold <= 0.5, PMID: 27666373). To our knowledge, functional studies have not been reported for this variant. This variant has not been reported in individuals affected with PCSK9-related disorders in the literature. This variant has not been identified in the general population by the Genome Aggregation Database (gnomAD). The available evidence is insufficient to determine the role of this variant in disease conclusively. Therefore, this variant is classified as a Variant of Uncertain Significance.

This study involves interpretation of variants in research participants for the purpose of population health screening. Participant phenotype was not available at the time of variant classification. Additional details can be found in publication PMID: 35346344, PMCID: PMC8962531

NM_174936.4(PCSK9):c.1793C>A (p.Ala598Asp)

Gene: PCSK9 (proprotein convertase subtilisin/kexin type 9; plus strand). Cytogenetic location: 1p32.3.
Variant type: single nucleotide variant.
Coding change: c.1793C>A on transcript NM_174936.4 (MANE Select); coding-DNA position 1793, C replaced by A.
Protein change: p.Ala598Asp; replaces alanine 598 with aspartic acid.
Molecular consequence: missense variant. On other transcripts: non-coding transcript variant (8).
Genome position (GRCh38, 1-based): chr1:55,061,486, C>A. VCF-style: chr1-55061486-C-A. GRCh37 (hg19) VCF-style: chr1-55527159-C-A.
Other names: c.1916C>A, p.Ala639Asp (NM_001407240.1); c.1835C>A, p.Ala612Asp (NM_001407241.1); c.1796C>A, p.Ala599Asp (NM_001407242.1); c.1736C>A, p.Ala579Asp (NM_001407243.1); c.1619C>A, p.Ala540Asp (NM_001407244.1); c.1601C>A, p.Ala534Asp (NM_001407245.1); c.1418C>A, p.Ala473Asp (NM_001407246.1); c.1292C>A, p.Ala431Asp (NM_001407247.1); short protein forms A431D, A473D, A534D, A540D, A579D, A598D, A599D, A612D.
Identifiers: ClinVar variation 3069598 (VCV003069598.1), dbSNP rs1644758607, ClinGen allele CA340480381.